The following is an entry in ClinVar:

ClinVar aggregate classification (germline): Conflicting classifications of pathogenicity. Review status: criteria provided, conflicting classifications (1 of 4 stars). 3 submissions from 3 submitters: Uncertain significance (1); Likely benign (1). 1 of the submissions does not count toward it. Last evaluated 2026-01-14.

Conditions:
Hennekam lymphangiectasia-lymphedema syndrome 1 (HKLLS1). Also called: LYMPHATIC DYSPLASIA, GENERALIZED. Identifiers: Orphanet 2136, MedGen C4012050, MONDO:0009337, OMIM 235510.
CCBE1-related disorder. Also called: CCBE1-related condition.

Allele frequency attached by ClinVar (database versions not stated): ExAC 0.00007; gnomAD 0.00007 and 0.00011; gnomAD exomes 0.00008 and 0.00033; TOPMed 0.00010.
gnomAD v4.1: 486 of 1,548,336 alleles (0.031%); highest among the groups gnomAD compares: Non-Finnish European, 0.04%; 1 homozygote.

Submissions (3):

Labcorp Genetics (formerly Invitae), Labcorp
Classification: Likely benign. Last evaluated: 2026-01-14. Review status: criteria provided, single submitter. Criteria: Invitae Variant Classification Sherloc (09022015). Collection method: clinical testing. Allele origin: germline.

Illumina Laboratory Services, Illumina
Classification: Uncertain significance for Hennekam lymphangiectasia-lymphedema syndrome 1. Last evaluated: 2018-01-12. Review status: criteria provided, single submitter. Criteria: ICSL Variant Classification Criteria 13 December 2019. Collection method: clinical testing. Allele origin: germline.

PreventionGenetics, part of Exact Sciences
Classification: Likely benign for CCBE1-related condition. Last evaluated: 2019-06-12. Review status: no assertion criteria provided. Collection method: clinical testing. Allele origin: germline. Not counted in ClinVar's aggregate classification.
Comment: This variant is classified as likely benign based on ACMG/AMP sequence variant interpretation guidelines (Richards et al. 2015 PMID: 25741868, with internal and published modifications).

NM_133459.4(CCBE1):c.131+10G>A

Gene: CCBE1 (collagen and calcium binding EGF domains 1; minus strand). Cytogenetic location: 18q21.32.
Variant type: single nucleotide variant.
Coding change: c.131+10G>A on transcript NM_133459.4 (MANE Select); 10 bases into the intron after coding-DNA position 131, G replaced by A.
Molecular consequence: intron variant.
Genome position (GRCh38, 1-based): chr18:59,697,202, C>T on the plus strand (G>A on the coding strand, the complement: CCBE1 is on the minus strand). VCF-style: chr18-59697202-C-T. GRCh37 (hg19) VCF-style: chr18-57364434-C-T.
Identifiers: ClinVar variation 888656 (VCV000888656.13), dbSNP rs755608387, ClinGen allele CA8980652.